The following is an entry in ClinVar:

ClinVar aggregate classification (germline): Likely benign. Review status: criteria provided, multiple submitters, no conflicts (2 of 4 stars). 2 submissions from 2 submitters: Likely benign (2). Last evaluated 2024-08-21.

Conditions:
Aicardi-Goutieres syndrome 5. Identifiers: Orphanet 51, MedGen C2749659, MONDO:0013059, OMIM 612952.

Allele frequency attached by ClinVar (database versions not stated): gnomAD 0.00001; gnomAD exomes 0.00001; TOPMed 0.00001.
gnomAD v4.1: 10 of 1,613,296 alleles (0.00062%); highest among the groups gnomAD compares: Non-Finnish European, 0.00076%; no homozygotes.

Submissions (2):

Labcorp Genetics (formerly Invitae), Labcorp
Classification: Likely benign for Aicardi-Goutieres syndrome 5. Last evaluated: 2024-08-21. Review status: criteria provided, single submitter. Criteria: Invitae Variant Classification Sherloc (09022015). Collection method: clinical testing. Allele origin: germline.

CeGaT Center for Human Genetics Tuebingen
Classification: Likely benign. Last evaluated: 2022-09-01. Review status: criteria provided, single submitter. Criteria: CeGaT Center For Human Genetics Tuebingen Variant Classification Criteria Version 2. Collection method: clinical testing. Allele origin: germline. Affected: yes. Observed: 2 variant alleles.
Comment: SAMHD1: BP4, BP7

NM_015474.4(SAMHD1):c.786A>G (p.Glu262=)

Gene: SAMHD1 (SAM and HD domain containing deoxynucleoside triphosphate triphosphohydrolase 1; minus strand). Cytogenetic location: 20q11.23.
Variant type: single nucleotide variant.
Coding change: c.786A>G on transcript NM_015474.4 (MANE Select); coding-DNA position 786, A replaced by G.
Protein change: p.Glu262=; no amino-acid change (glutamic acid 262 retained).
Molecular consequence: synonymous variant.
Genome position (GRCh38, 1-based): chr20:36,919,430, T>C on the plus strand (A>G on the coding strand, the complement: SAMHD1 is on the minus strand). VCF-style: chr20-36919430-T-C. GRCh37 (hg19) VCF-style: chr20-35547833-T-C.
Other names: c.786A>G, p.Glu262= (NM_001363729.2, NM_001363733.2).
Identifiers: ClinVar variation 1546655 (VCV001546655.31), dbSNP rs1195297197, ClinGen allele CA510392748.